The following is an entry in ClinVar:

ClinVar aggregate classification (germline): Uncertain significance (1 of 4 stars; one submission).

gnomAD v4.1: 2 of 1,613,992 alleles (0.00012%); highest among the groups gnomAD compares: African/African-American, 0.0013%; no homozygotes.

Submission:

GeneDx
Classification: Uncertain significance. Last evaluated: 2025-05-13. Review status: criteria provided, single submitter. Criteria: GeneDx Variant Classification Process June 2021. Collection method: clinical testing. Allele origin: germline. Affected: yes.
Comment: Not observed at significant frequency in large population cohorts (gnomAD); In silico analysis suggests that this missense variant does not alter protein structure/function; Has not been previously published as pathogenic or benign to our knowledge

NM_001384125.1(BLTP1):c.9601A>T (p.Ser3201Cys)

Gene: BLTP1 (bridge-like lipid transfer protein family member 1; plus strand). Cytogenetic location: 4q27.
Variant type: single nucleotide variant.
Coding change: c.9601A>T on transcript NM_001384125.1 (MANE Select); coding-DNA position 9601, A replaced by T.
Protein change: p.Ser3201Cys; replaces serine 3201 with cysteine.
Molecular consequence: missense variant.
Genome position (GRCh38, 1-based): chr4:122,304,912, A>T. VCF-style: chr4-122304912-A-T. GRCh37 (hg19) VCF-style: chr4-123226067-A-T.
Other names: c.9601A>T, p.Ser3201Cys (NM_015312.4); short protein forms S3201C.
Identifiers: ClinVar variation 4529574 (VCV004529574.1).